The following is an entry in ClinVar:

ClinVar aggregate classification (germline): Uncertain significance (1 of 4 stars; one submission).

Conditions:
VPS13B-related disorder. Also called: VPS13B-related condition.

gnomAD v4.1: 2 of 1,609,922 alleles (0.00012%); highest among the groups gnomAD compares: Admixed American, 0.0017%; no homozygotes.

Submission:

PreventionGenetics, part of Exact Sciences
Classification: Uncertain significance for VPS13B-related condition. Last evaluated: 2025-12-28. Review status: criteria provided, single submitter. Criteria: ACMG Guidelines, 2015. Collection method: clinical testing. Allele origin: germline.
Comment: The VPS13B c.1238A>G variant is predicted to result in the amino acid substitution p.Tyr413Cys. To our knowledge, this variant has not been reported in the literature. This variant is reported in 0.0029% of alleles in individuals of Latino descent in gnomAD. At this time, the clinical significance of this variant is uncertain due to the absence of conclusive functional and genetic evidence.

NM_152564.5(VPS13B):c.1206+32A>G

Gene: VPS13B (vacuolar protein sorting 13 homolog B; plus strand). Cytogenetic location: 8q22.2.
Variant type: single nucleotide variant.
Coding change: c.1206+32A>G on transcript NM_152564.5 (MANE Select); 32 bases into the intron after coding-DNA position 1206, A replaced by G.
Molecular consequence: intron variant. On other transcripts: missense variant (1), non-coding transcript variant (1).
Genome position (GRCh38, 1-based): chr8:99,121,477, A>G. VCF-style: chr8-99121477-A-G. GRCh37 (hg19) VCF-style: chr8-100133705-A-G.
Other names: c.1238A>G, p.Tyr413Cys (NM_181661.3); c.1206+32A>G (NM_017890.5, NM_015243.3); short protein forms Y413C.
Identifiers: ClinVar variation 4993421 (VCV004993421.1).
Genomic context (GRCh38, chr8:99,121,477, plus strand): 5'-ATTGCACAAAGGCAACGGTGACTTTCAAAGTAGGTCTTTTCTCTTGCTGTTTATATCTCT[A>G]TCAACTTTAATGCTTAAATTTGGATTGTTAGTACAATTCTAGCTTTATTCAAGTTTGCTT-3'